The following is an entry in ClinVar:

ClinVar aggregate classification (germline): Conflicting classifications of pathogenicity. Review status: criteria provided, conflicting classifications (1 of 4 stars). 3 submissions from 3 submitters: Uncertain significance (1); Likely benign (1). 1 of the submissions does not count toward it. Last evaluated 2025-10-23.

Conditions:
DOCK6-related disorder. Also called: DOCK6-related condition.

Allele frequency attached by ClinVar (database versions not stated): ExAC 0.00026; ESP Exome Variant Server 0.00063; gnomAD 0.00090 and 0.00094; 1000 Genomes Project 30x 0.00109; TOPMed 0.00109; 1000 Genomes Project 0.00120.
gnomAD v4.1: 274 of 1,613,812 alleles (0.017%); highest among the groups gnomAD compares: African/African-American, 0.33%; no homozygotes.

Submissions (3):

Labcorp Genetics (formerly Invitae), Labcorp
Classification: Likely benign. Last evaluated: 2025-10-23. Review status: criteria provided, single submitter. Criteria: Invitae Variant Classification Sherloc (09022015). Collection method: clinical testing. Allele origin: germline.

Eurofins Ntd Llc (ga)
Classification: Uncertain significance. Last evaluated: 2017-07-14. Review status: criteria provided, single submitter. Criteria: EGL Classification Definitions 2015. Collection method: clinical testing. Allele origin: germline. Observed: 1 variant allele, 1 heterozygote.

PreventionGenetics, part of Exact Sciences
Classification: Likely benign for DOCK6-related condition. Last evaluated: 2022-02-10. Review status: no assertion criteria provided. Collection method: clinical testing. Allele origin: germline. Not counted in ClinVar's aggregate classification.
Comment: This variant is classified as likely benign based on ACMG/AMP sequence variant interpretation guidelines (Richards et al. 2015 PMID: 25741868, with internal and published modifications).

NM_020812.4(DOCK6):c.2594G>A (p.Arg865His)

Gene: DOCK6 (dedicator of cytokinesis 6; minus strand). Cytogenetic location: 19p13.2.
Variant type: single nucleotide variant.
Coding change: c.2594G>A on transcript NM_020812.4 (MANE Select); coding-DNA position 2594, G replaced by A.
Protein change: p.Arg865His; replaces arginine 865 with histidine.
Molecular consequence: missense variant.
Genome position (GRCh38, 1-based): chr19:11,233,327, C>T on the plus strand (G>A on the coding strand, the complement: DOCK6 is on the minus strand). VCF-style: chr19-11233327-C-T. GRCh37 (hg19) VCF-style: chr19-11344003-C-T.
Other names: c.2594G>A, p.Arg865His (NM_001367830.1); short protein forms R865H.
Identifiers: ClinVar variation 593194 (VCV000593194.16), dbSNP rs199922090, ClinGen allele CA9207569.